The following is an entry in ClinVar:

ClinVar aggregate classification (germline): Uncertain significance (1 of 4 stars; one submission).

Conditions:
Inborn genetic diseases. Identifiers: MedGen C0950123, MeSH D030342.

gnomAD v4.1: 1 of 1,613,410 alleles (0.000062%); no homozygotes.

Submission:

Ambry Genetics
Classification: Uncertain significance for Inborn genetic diseases. Last evaluated: 2025-01-21. Review status: criteria provided, single submitter. Criteria: Ambry Variant Classification Scheme 2023. Collection method: clinical testing. Allele origin: germline.
Comment: The p.D218Y variant (also known as c.652G>T), located in coding exon 4 of the KDM1A gene, results from a G to T substitution at nucleotide position 652. The aspartic acid at codon 218 is replaced by tyrosine, an amino acid with highly dissimilar properties. This amino acid position is conserved. In addition, this alteration is predicted to be deleterious by in silico analysis. Based on the available evidence, the clinical significance of this variant remains unclear.

NM_001009999.3(KDM1A):c.652G>T (p.Asp218Tyr)

Gene: KDM1A (lysine demethylase 1A; plus strand). Cytogenetic location: 1p36.12.
Variant type: single nucleotide variant.
Coding change: c.652G>T on transcript NM_001009999.3 (MANE Select); coding-DNA position 652, G replaced by T.
Protein change: p.Asp218Tyr; replaces aspartic acid 218 with tyrosine.
Molecular consequence: missense variant.
Genome position (GRCh38, 1-based): chr1:23,050,461, G>T. VCF-style: chr1-23050461-G-T. GRCh37 (hg19) VCF-style: chr1-23376954-G-T.
Other names: c.592G>T, p.Asp198Tyr (NM_001363654.2, NM_001410763.1, NM_015013.4); c.652G>T, p.Asp218Tyr (NM_001410762.1); short protein forms D198Y, D218Y.
Identifiers: ClinVar variation 3863285 (VCV003863285.1).
Genomic context (GRCh38, chr1:23,050,461, plus strand): 5'-GCTTTCCAGAGCCGACTTCCTCATGACCGGATGACTTCTCAAGAAGCAGCCTGTTTTCCA[G>T]ATATTATCAGTGGACCACAACAGACCCAGAAGGTTTTTCTTTTCATTAGAAACCGCACAG-3'
Protein context (NP_001009999.1, residues 208-228): MTSQEAACFP[Asp218Tyr]IISGPQQTQK